The following is an entry in ClinVar:

ClinVar aggregate classification (germline): Likely benign (0 of 4 stars; one submission).

Conditions:
PLXNA1-related disorder. Also called: PLXNA1-related condition.

gnomAD v4.1: 1 of 1,613,678 alleles (0.000062%); highest among the groups gnomAD compares: African/African-American, 0.0013%; no homozygotes.

Submission:

PreventionGenetics, part of Exact Sciences
Classification: Likely benign for PLXNA1-related condition. Last evaluated: 2024-02-19. Review status: no assertion criteria provided. Collection method: clinical testing. Allele origin: germline.
Comment: This variant is classified as likely benign based on ACMG/AMP sequence variant interpretation guidelines (Richards et al. 2015 PMID: 25741868, with internal and published modifications).

NM_032242.4(PLXNA1):c.1974C>T (p.Phe658=)

Gene: PLXNA1 (plexin A1; plus strand). Cytogenetic location: 3q21.3.
Variant type: single nucleotide variant.
Coding change: c.1974C>T on transcript NM_032242.4 (MANE Select); coding-DNA position 1974, C replaced by T.
Protein change: p.Phe658=; no amino-acid change (phenylalanine 658 retained).
Molecular consequence: synonymous variant.
Genome position (GRCh38, 1-based): chr3:127,006,155, C>T. VCF-style: chr3-127006155-C-T. GRCh37 (hg19) VCF-style: chr3-126724998-C-T.
Identifiers: ClinVar variation 3348939 (VCV003348939.1).